The following is an entry in ClinVar:

ClinVar aggregate classification (germline): Uncertain significance. Review status: criteria provided, multiple submitters, no conflicts (2 of 4 stars). 5 submissions from 5 submitters: Uncertain significance (4). 1 of the submissions does not count toward it. Last evaluated 2025-12-03.

Conditions:
PLEC-related disorder. Also called: PLEC-related disorders; PLEC-related condition.
Epidermolysis bullosa simplex 5B, with muscular dystrophy (EBS5B). Also called: EPIDERMOLYSIS BULLOSA SIMPLEX AND LIMB-GIRDLE MUSCULAR DYSTROPHY; Epidermolysis bullosa simplex with muscular dystrophy. Identifiers: Orphanet 257, MedGen C2931072, MONDO:0009181, OMIM 226670.
Epidermolysis bullosa simplex with nail dystrophy (EBS5D). Identifiers: MedGen C4225309, MONDO:0014661, OMIM 616487.
Junctional epidermolysis bullosa with pyloric atresia. Also called: EPIDERMOLYSIS BULLOSA, JUNCTIONAL 5B, WITH PYLORIC ATRESIA; ITGB4-Related Epidermolysis Bullosa with Pyloric Atresia; Epidermolysis bullosa, junctional, with pyloric atresia and aplasia cutis congenita; Epidermolysis bullosa junctionalis with pyloric atresia; Junctional Epidermolysis Bullosa- Pyloric Atresia Syndrome; CARMI SYNDROME. Identifiers: Orphanet 79403, MedGen C5676875, MONDO:0009183, OMIM 226730.
Epidermolysis bullosa simplex, Ogna type (EBS5A). Also called: Pidermolysis bullosa simplex 5A, Ogna type; EPIDERMOLYSIS BULLOSA SIMPLEX 5A, OGNA TYPE. Identifiers: Orphanet 79401, MedGen C0432317, MONDO:0007555, OMIM 131950.
Epidermolysis bullosa simplex 5C, with pyloric atresia (EBS5C). Also called: PLEC-Related Epidermolysis Bullosa with Pyloric Atresia; Epidermolysis bullosa simplex with pyloric atresia; PLEC1-Related Epidermolysis Bullosa with Pyloric Atresia. Identifiers: Orphanet 158684, MedGen C2677349, MONDO:0012807, OMIM 612138.
Autosomal recessive limb-girdle muscular dystrophy type 2Q (LGMDR17). Also called: MUSCULAR DYSTROPHY, LIMB-GIRDLE, AUTOSOMAL RECESSIVE 17. Identifiers: Orphanet 254361, MedGen C3150989, MONDO:0013390, OMIM 613723.

Allele frequency attached by ClinVar (database versions not stated): gnomAD exomes 0.00015 and 0.00020; 1000 Genomes Project 30x 0.00016; ExAC 0.00016; 1000 Genomes Project 0.00020; TOPMed 0.00020; ESP Exome Variant Server 0.00023; gnomAD 0.00027 and 0.00029.
gnomAD v4.1: 324 of 1,610,866 alleles (0.02%); highest among the groups gnomAD compares: Non-Finnish European, 0.024%; no homozygotes.

Submissions (5):

Labcorp Genetics (formerly Invitae), Labcorp
Classification: Uncertain significance for Autosomal recessive limb-girdle muscular dystrophy type 2Q; Epidermolysis bullosa simplex, Ogna type; Epidermolysis bullosa simplex with nail dystrophy; Epidermolysis bullosa simplex 5C, with pyloric atresia; Epidermolysis bullosa simplex 5B, with muscular dystrophy. Last evaluated: 2025-12-03. Review status: criteria provided, single submitter. Criteria: Invitae Variant Classification Sherloc (09022015). Collection method: clinical testing. Allele origin: germline.
Comment: This sequence change replaces arginine, which is basic and polar, with cysteine, which is neutral and slightly polar, at codon 934 of the PLEC protein (p.Arg934Cys). This variant is present in population databases (rs201386370, gnomAD 0.03%). This variant has not been reported in the literature in individuals affected with PLEC-related conditions. ClinVar contains an entry for this variant (Variation ID: 662298). Invitae Evidence Modeling of protein sequence and biophysical properties (such as structural, functional, and spatial information, amino acid conservation, physicochemical variation, residue mobility, and thermodynamic stability) indicates that this missense variant is not expected to disrupt PLEC protein function with a negative predictive value of 80%. In summary, the available evidence is currently insufficient to determine the role of this variant in disease. Therefore, it has been classified as a Variant of Uncertain Significance.

GeneDx
Classification: Uncertain significance. Last evaluated: 2024-11-08. Review status: criteria provided, single submitter. Criteria: GeneDx Variant Classification Process June 2021. Collection method: clinical testing. Allele origin: germline. Affected: yes.
Comment: In silico analysis supports that this missense variant has a deleterious effect on protein structure/function; Missense variant in a gene in which most reported pathogenic variants are truncating/loss of function; Has not been previously published as pathogenic or benign to our knowledge

Revvity Omics, Revvity
Classification: Uncertain significance. Last evaluated: 2024-08-07. Review status: criteria provided, single submitter. Criteria: ACMG Guidelines, 2015. Collection method: clinical testing. Allele origin: germline.

Fulgent Genetics
Classification: Uncertain significance for Epidermolysis bullosa simplex, Ogna type; Epidermolysis bullosa simplex 5B, with muscular dystrophy; Junctional epidermolysis bullosa with pyloric atresia; Epidermolysis bullosa simplex 5C, with pyloric atresia; Autosomal recessive limb-girdle muscular dystrophy type 2Q; Epidermolysis bullosa simplex with nail dystrophy. Last evaluated: 2021-08-30. Review status: criteria provided, single submitter. Criteria: ACMG Guidelines, 2015. Collection method: clinical testing. Allele origin: unknown.

PreventionGenetics, part of Exact Sciences
Classification: Uncertain significance for PLEC-related condition. Last evaluated: 2024-07-09. Review status: no assertion criteria provided. Collection method: clinical testing. Allele origin: germline. Not counted in ClinVar's aggregate classification.
Comment: The PLEC c.2800C>T variant is predicted to result in the amino acid substitution p.Arg934Cys. To our knowledge, this variant has not been reported in the literature. This variant is reported in 0.030% of alleles in individuals of European (Non-Finnish) descent in gnomAD. At this time, the clinical significance of this variant is uncertain due to the absence of conclusive functional and genetic evidence.

NM_201384.3(PLEC):c.2719C>T (p.Arg907Cys)

Gene: PLEC (plectin; minus strand). Cytogenetic location: 8q24.3.
Variant type: single nucleotide variant.
Coding change: c.2719C>T on transcript NM_201384.3 (MANE Select); coding-DNA position 2719, C replaced by T.
Protein change: p.Arg907Cys; replaces arginine 907 with cysteine.
Molecular consequence: missense variant.
Genome position (GRCh38, 1-based): chr8:143,929,956, G>A on the plus strand (C>T on the coding strand, the complement: PLEC is on the minus strand). VCF-style: chr8-143929956-G-A. GRCh37 (hg19) VCF-style: chr8-145004124-G-A.
Other names: c.2800C>T (NM_000445.3); c.2800C>T, p.Arg934Cys (NM_000445.5); c.2677C>T, p.Arg893Cys (NM_201378.4); c.2653C>T, p.Arg885Cys (NM_201379.3); c.3130C>T, p.Arg1044Cys (NM_201380.4); c.2623C>T, p.Arg875Cys (NM_201381.3); c.2719C>T, p.Arg907Cys (NM_201382.4); c.2731C>T, p.Arg911Cys (NM_201383.3); short protein forms R907C, R934C, R1044C, R875C, R893C, R885C, R911C.
Identifiers: ClinVar variation 662298 (VCV000662298.13), dbSNP rs201386370, ClinGen allele CA4927406.